The following is an entry in ClinVar:

NM_001384140.1(PCDH15):c.3346C>T (p.Leu1116Phe)

Gene: PCDH15 (protocadherin related 15; minus strand). Cytogenetic location: 10q21.1.
Variant type: single nucleotide variant.
Coding change: c.3346C>T on transcript NM_001384140.1 (MANE Select); coding-DNA position 3346, C replaced by T.
Protein change: p.Leu1116Phe; replaces leucine 1116 with phenylalanine.
Molecular consequence: missense variant.
Genome position (GRCh38, 1-based): chr10:53,938,842, G>A on the plus strand (C>T on the coding strand, the complement: PCDH15 is on the minus strand). VCF-style: chr10-53938842-G-A. GRCh37 (hg19) VCF-style: chr10-55698602-G-A.
Other names: c.3361C>T, p.Leu1121Phe (NM_001142763.2, NM_001142771.2); c.3346C>T, p.Leu1116Phe (NM_001142764.2, NM_001142766.2, NM_001142770.3 and 4 more transcripts); c.3133C>T, p.Leu1045Phe (NM_001142765.2); c.3235C>T, p.Leu1079Phe (NM_001142767.2); c.3280C>T, p.Leu1094Phe (NM_001142768.2, NM_001142773.2, NM_001354404.2); c.3382C>T, p.Leu1128Phe (NM_001142769.4); c.3367C>T, p.Leu1123Phe (NM_001354411.2); short protein forms L1045F, L1079F, L1094F, L1116F, L1121F, L1123F, L1128F.
Identifiers: ClinVar variation 3899032 (VCV003899032.1).

ClinVar aggregate classification (germline): Uncertain significance (1 of 4 stars; one submission).

Submission:

GeneDx
Classification: Uncertain significance. Last evaluated: 2024-11-06. Review status: criteria provided, single submitter. Criteria: GeneDx Variant Classification Process June 2021. Collection method: clinical testing. Allele origin: germline. Affected: yes.
Comment: Not observed at significant frequency in large population cohorts (gnomAD); In silico analysis indicates that this missense variant does not alter protein structure/function; Has not been previously published as pathogenic or benign to our knowledge